The following is an entry in ClinVar:

NM_000540.3(RYR1):c.6731G>A (p.Arg2244Gln)

Gene: RYR1 (ryanodine receptor 1; plus strand). Cytogenetic location: 19q13.2.
Variant type: single nucleotide variant.
Coding change: c.6731G>A on transcript NM_000540.3 (MANE Select); coding-DNA position 6731, G replaced by A.
Protein change: p.Arg2244Gln; replaces arginine 2244 with glutamine.
Molecular consequence: missense variant.
Genome position (GRCh38, 1-based): chr19:38,496,476, G>A. VCF-style: chr19-38496476-G-A. GRCh37 (hg19) VCF-style: chr19-38987116-G-A.
Other names: c.6731G>A, p.Arg2244Gln (NM_001042723.2); short protein forms R2244Q.
Identifiers: ClinVar variation 2040380 (VCV002040380.4), dbSNP rs551314025, ClinGen allele CA068612.

ClinVar aggregate classification (germline): Uncertain significance. Review status: criteria provided, multiple submitters, no conflicts (2 of 4 stars). 4 submissions from 4 submitters: Uncertain significance (4). Last evaluated 2025-08-26.

Conditions:
RYR1-related disorder. Also called: RYR1-related condition; RYR1-related disorders. Identifiers: MedGen CN239331.
Malignant hyperthermia, susceptibility to, 1 (MHS1). Also called: Anesthesia related hyperthermia; Malignant hyperpyrexia; Fulminating hyperpyrexia; Pharmacogenic myopathy; Malignant hyperthermia suceptibility 1; RYR1-Related Malignant Hyperthermia Susceptibility. Identifiers: Orphanet 423, MedGen C2930980, MONDO:0007783, OMIM 145600.

Allele frequency attached by ClinVar (database versions not stated): ExAC 0.00002.
gnomAD v4.1: 12 of 1,613,650 alleles (0.00074%); highest among the groups gnomAD compares: East Asian, 0.0022%; no homozygotes.

Submissions (4):

Color Diagnostics, LLC DBA Color Health
Classification: Uncertain significance for Malignant hyperthermia, susceptibility to, 1. Last evaluated: 2025-08-26. Review status: criteria provided, single submitter. Criteria: ACMG Guidelines, 2015. Collection method: clinical testing. Allele origin: germline.
Comment: This missense variant replaces arginine with glutamine at codon 2244 of the RYR1 protein. Computational prediction is inconclusive regarding the impact of this variant on protein structure and function. To our knowledge, functional studies have not been reported for this variant. This variant has not been reported in individuals affected with RYR1-related disorders in the literature. This variant has been identified in 3/251110 chromosomes in the general population by the Genome Aggregation Database (gnomAD). The available evidence is insufficient to determine the role of this variant in disease conclusively. Therefore, this variant is classified as a Variant of Uncertain Significance.

Blueprint Genetics
Classification: Uncertain significance. Last evaluated: 2024-04-22. Review status: criteria provided, single submitter. Criteria: ACMG Guidelines, 2015. Collection method: clinical testing. Allele origin: germline.

GeneDx
Classification: Uncertain significance. Last evaluated: 2023-06-16. Review status: criteria provided, single submitter. Criteria: GeneDx Variant Classification Process June 2021. Collection method: clinical testing. Allele origin: germline. Affected: yes.
Comment: Not observed at significant frequency in large population cohorts (gnomAD); In silico analysis supports that this missense variant has a deleterious effect on protein structure/function; Has not been previously published as pathogenic or benign to our knowledge; This variant is associated with the following publications: (PMID: 12668474, 33767344)

Labcorp Genetics (formerly Invitae), Labcorp
Classification: Uncertain significance for RYR1-related disorder. Last evaluated: 2022-05-12. Review status: criteria provided, single submitter. Criteria: Invitae Variant Classification Sherloc (09022015). Collection method: clinical testing. Allele origin: germline.
Comment: This sequence change replaces arginine, which is basic and polar, with glutamine, which is neutral and polar, at codon 2244 of the RYR1 protein (p.Arg2244Gln). This variant is present in population databases (rs551314025, gnomAD 0.006%). This variant has not been reported in the literature in individuals affected with RYR1-related conditions. Advanced modeling of protein sequence and biophysical properties (such as structural, functional, and spatial information, amino acid conservation, physicochemical variation, residue mobility, and thermodynamic stability) performed at Invitae indicates that this missense variant is not expected to disrupt RYR1 protein function. In summary, the available evidence is currently insufficient to determine the role of this variant in disease. Therefore, it has been classified as a Variant of Uncertain Significance.